The following is an entry in ClinVar:

ClinVar aggregate classification (germline): Uncertain significance. Review status: criteria provided, single submitter (1 of 4 stars). 2 submissions from 2 submitters: Uncertain significance (1). 1 of the submissions does not count toward it. Last evaluated 2022-02-02.

Conditions:
GNPTG-mucolipidosis. Also called: ML III GAMMA; ML IIIC; Mucolipidosis type III gamma; MUCOLIPIDOSIS III, COMPLEMENTATION GROUP C; MUCOLIPIDOSIS III, IRANIAN VARIANT FORM; MUCOLIPIDOSIS III, VARIANT FORM. Identifiers: Orphanet 423470, Orphanet 577, MedGen C1854896, MONDO:0009652, OMIM 252605.

Allele frequency attached by ClinVar (database versions not stated): gnomAD exomes below 0.00001; gnomAD 0.00001.

Submissions (2):

Labcorp Genetics (formerly Invitae), Labcorp
Classification: Uncertain significance. Last evaluated: 2022-02-02. Review status: criteria provided, single submitter. Criteria: Invitae Variant Classification Sherloc (09022015). Collection method: clinical testing. Allele origin: germline.
Comment: This sequence change creates a premature translational stop signal (p.His284Profs*15) in the GNPTG gene. While this is not anticipated to result in nonsense mediated decay, it is expected to disrupt the last 22 amino acid(s) of the GNPTG protein. This variant is not present in population databases (gnomAD no frequency). This variant has not been reported in the literature in individuals affected with GNPTG-related conditions. ClinVar contains an entry for this variant (Variation ID: 1041986). Experimental studies and prediction algorithms are not available or were not evaluated, and the functional significance of this variant is currently unknown. In summary, the available evidence is currently insufficient to determine the role of this variant in disease. Therefore, it has been classified as a Variant of Uncertain Significance.

Natera, Inc.
Classification: Uncertain significance for Mucolipidosis III gamma. Last evaluated: 2021-05-31. Review status: no assertion criteria provided. Collection method: clinical testing. Allele origin: germline. Not counted in ClinVar's aggregate classification.

NM_032520.5(GNPTG):c.843dup (p.His284fs)

Gene: GNPTG (N-acetylglucosamine-1-phosphate transferase subunit gamma; plus strand). Cytogenetic location: 16p13.3.
Variant type: Duplication.
Coding change: c.843dup on transcript NM_032520.5 (MANE Select); coding-DNA position 843, one base duplicated (C; older notation c.843dupC).
Protein change: p.His284fs; shifts the reading frame from histidine 284.
Molecular consequence: frameshift variant.
Genome position (GRCh38, 1-based): chr16:1,363,016, C duplicated. VCF-style (leftmost placement, unchanged base first): chr16-1363015-A-AC. GRCh37 (hg19) VCF-style: chr16-1413016-A-AC.
Other names: short protein forms H284fs.
Identifiers: ClinVar variation 1041986 (VCV001041986.3), dbSNP rs2034958641, ClinGen allele CA973711561.